The following is an entry in ClinVar:

NM_198334.3(GANAB):c.381-10T>C

Gene: GANAB (glucosidase II alpha subunit; minus strand). Cytogenetic location: 11q12.3.
Variant type: single nucleotide variant.
Coding change: c.381-10T>C on transcript NM_198334.3 (MANE Select); 10 bases into the intron before coding-DNA position 381, T replaced by C.
Molecular consequence: intron variant.
Genome position (GRCh38, 1-based): chr11:62,635,010, A>G on the plus strand (T>C on the coding strand, the complement: GANAB is on the minus strand). VCF-style: chr11-62635010-A-G. GRCh37 (hg19) VCF-style: chr11-62402482-A-G.
Other names: c.39-10T>C (NM_001278193.2, NM_001278192.2); c.90-10T>C (NM_001329223.2, NM_001278194.2, NM_001329222.2); c.-396-10T>C (NM_001329225.2, NM_001329224.2); c.381-10T>C (NM_198335.4, NM_198335.3).
Identifiers: ClinVar variation 1409060 (VCV001409060.12), dbSNP rs371678104, ClinGen allele CA6051112.

ClinVar aggregate classification (germline): Conflicting classifications of pathogenicity. Review status: criteria provided, conflicting classifications (1 of 4 stars). 4 submissions from 4 submitters: Uncertain significance (1); Likely benign (2). 1 of the submissions does not count toward it. Last evaluated 2024-10-25.

Conditions:
GANAB-related disorder. Also called: GANAB-related condition.
Polycystic kidney disease 3 with or without polycystic liver disease. Also called: Polycystic kidney disease 3; Polycystic Kidney and/or Polycystic Liver Disease 3; POLYCYSTIC KIDNEY DISEASE, ADULT, TYPE III. Identifiers: MedGen C3887964, MONDO:0010916, OMIM 600666.

Allele frequency attached by ClinVar (database versions not stated): ExAC 0.00004; gnomAD exomes 0.00004 and 0.00013; TOPMed 0.00004; gnomAD 0.00005 and 0.00006; ESP Exome Variant Server 0.00008.
gnomAD v4.1: 203 of 1,602,676 alleles (0.013%); highest among the groups gnomAD compares: Non-Finnish European, 0.016%; no homozygotes.

Submissions (4):

Labcorp Genetics (formerly Invitae), Labcorp
Classification: Likely benign. Last evaluated: 2024-10-25. Review status: criteria provided, single submitter. Criteria: Invitae Variant Classification Sherloc (09022015). Collection method: clinical testing. Allele origin: germline.

Blueprint Genetics
Classification: Likely benign. Last evaluated: 2024-06-08. Review status: criteria provided, single submitter. Criteria: ACMG Guidelines, 2015. Collection method: clinical testing. Allele origin: germline.

Fulgent Genetics
Classification: Uncertain significance for Polycystic kidney disease 3 with or without polycystic liver disease. Last evaluated: 2024-01-04. Review status: criteria provided, single submitter. Criteria: ACMG Guidelines, 2015. Collection method: clinical testing. Allele origin: germline.

PreventionGenetics, part of Exact Sciences
Classification: Likely benign for GANAB-related condition. Last evaluated: 2024-05-13. Review status: no assertion criteria provided. Collection method: clinical testing. Allele origin: germline. Not counted in ClinVar's aggregate classification.
Comment: This variant is classified as likely benign based on ACMG/AMP sequence variant interpretation guidelines (Richards et al. 2015 PMID: 25741868, with internal and published modifications).